The following is an entry in ClinVar:

NM_000136.3(FANCC):c.1615G>A (p.Glu539Lys)

Genes: FANCC (FA complementation group C; minus strand), AOPEP (aminopeptidase O (putative); plus strand). Cytogenetic location: 9q22.32.
Variant type: single nucleotide variant.
Coding change: c.1615G>A on transcript NM_000136.3 (MANE Select); coding-DNA position 1615, G replaced by A.
Protein change: p.Glu539Lys; replaces glutamic acid 539 with lysine.
Molecular consequence: missense variant.
Genome position (GRCh38, 1-based): chr9:95,101,769, C>T on the plus strand (G>A on the coding strand, the complement: FANCC is on the minus strand). VCF-style: chr9-95101769-C-T. GRCh37 (hg19) VCF-style: chr9-97864051-C-T.
Other names: c.1615G>A, p.Glu539Lys (NM_001243743.2); short protein forms E539K.
Identifiers: ClinVar variation 945288 (VCV000945288.2), dbSNP rs2071085287, ClinGen allele CA374104458.

ClinVar aggregate classification (germline): Uncertain significance. Review status: criteria provided, multiple submitters, no conflicts (2 of 4 stars). 2 submissions from 2 submitters: Uncertain significance (2). Last evaluated 2024-03-02.

Conditions:
Hereditary cancer-predisposing syndrome. Also called: Neoplastic Syndromes, Hereditary; Hereditary Cancer Syndrome; Tumor predisposition; Hereditary neoplastic syndrome. Identifiers: Orphanet 140162, MedGen C0027672, MeSH D009386, MONDO:0015356.
Fanconi anemia (FA). Also called: Fanconi's anemia. Identifiers: Orphanet 84, MedGen C0015625, MeSH D005199, MONDO:0019391.

Allele frequency attached by ClinVar (database versions not stated): gnomAD exomes below 0.00001.
gnomAD v4.1: 1 of 1,614,150 alleles (0.000062%); highest among the groups gnomAD compares: African/African-American, 0.0013%; no homozygotes.

Submissions (2):

Ambry Genetics
Classification: Uncertain significance for Hereditary cancer-predisposing syndrome. Last evaluated: 2024-03-02. Review status: criteria provided, single submitter. Criteria: Ambry Variant Classification Scheme 2023. Collection method: clinical testing. Allele origin: germline.
Comment: The p.E539K variant (also known as c.1615G>A), located in coding exon 14 of the FANCC gene, results from a G to A substitution at nucleotide position 1615. The glutamic acid at codon 539 is replaced by lysine, an amino acid with similar properties. This amino acid position is conserved. In addition, this alteration is predicted to be tolerated by in silico analysis. Based on the available evidence, the clinical significance of this alteration remains unclear.

Labcorp Genetics (formerly Invitae), Labcorp
Classification: Uncertain significance for Fanconi anemia. Last evaluated: 2019-06-26. Review status: criteria provided, single submitter. Criteria: Invitae Variant Classification Sherloc (09022015). Collection method: clinical testing. Allele origin: germline.
Comment: This sequence change replaces glutamic acid with lysine at codon 539 of the FANCC protein (p.Glu539Lys). The glutamic acid residue is moderately conserved and there is a small physicochemical difference between glutamic acid and lysine. This variant is not present in population databases (ExAC no frequency). This variant has not been reported in the literature in individuals with FANCC-related conditions. Algorithms developed to predict the effect of missense changes on protein structure and function are either unavailable or do not agree on the potential impact of this missense change (SIFT: "Tolerated"; PolyPhen-2: "Possibly Damaging"; Align-GVGD: "Class C0"). In summary, the available evidence is currently insufficient to determine the role of this variant in disease. Therefore, it has been classified as a Variant of Uncertain Significance.